The following is an entry in ClinVar:

NM_000138.5(FBN1):c.5435_5436del (p.Cys1812fs)

Gene: FBN1 (fibrillin 1; minus strand). Cytogenetic location: 15q21.1.
Variant type: Microsatellite.
Coding change: c.5435_5436del on transcript NM_000138.5 (MANE Select); coding-DNA positions 5435 to 5436, 2 bases deleted (GT; older notation c.5435_5436delGT).
Protein change: p.Cys1812fs; shifts the reading frame from cysteine 1812.
Molecular consequence: frameshift variant.
Genome position (GRCh38, 1-based): chr15:48,452,671-48,452,672, AC deleted on the plus strand (GT on the coding strand, the reverse complement: FBN1 is on the minus strand); deleting any 2 consecutive bases within chr15:48,452,671-48,452,674 gives the same sequence; the c. name uses the placement nearest the transcript's 3' end. VCF-style (leftmost placement, unchanged base first): chr15-48452670-GAC-G. GRCh37 (hg19) VCF-style: chr15-48744867-GAC-G.
Other names: c.5435_5436del, p.Cys1812fs (NM_001406716.1); short protein forms C1812fs.
Identifiers: ClinVar variation 2952916 (VCV002952916.3), dbSNP rs2505470919, ClinGen allele CA2740096643.

ClinVar aggregate classification (germline): Pathogenic (1 of 4 stars; one submission).

Conditions:
Marfan syndrome (MFS). Also called: MARFAN SYNDROME, TYPE I; Marfan syndrome type 1; Marfan's syndrome; Marfan syndrome, classic; FBN1-Related Marfan Syndrome. Identifiers: Orphanet 284963, Orphanet 558, MedGen C0024796, MONDO:0007947, OMIM 154700.
Familial thoracic aortic aneurysm and aortic dissection (TAAD). Also called: Thoracic aortic aneurysms and dissections. Identifiers: Orphanet 91387, MedGen C4707243, MONDO:0019625.

Submission:

Labcorp Genetics (formerly Invitae), Labcorp
Classification: Pathogenic for Marfan syndrome; Familial thoracic aortic aneurysm and aortic dissection. Last evaluated: 2023-10-15. Review status: criteria provided, single submitter. Criteria: Invitae Variant Classification Sherloc (09022015). Collection method: clinical testing. Allele origin: germline.
Comment: This sequence change creates a premature translational stop signal (p.Cys1812Serfs*22) in the FBN1 gene. It is expected to result in an absent or disrupted protein product. Loss-of-function variants in FBN1 are known to be pathogenic (PMID: 17657824, 19293843). This variant is not present in population databases (gnomAD no frequency). This variant has not been reported in the literature in individuals affected with FBN1-related conditions. For these reasons, this variant has been classified as Pathogenic.

Literature cited by the submitters: PubMed 17657824; PubMed 19293843.